The following is an entry in ClinVar:

NM_001393769.1(MED12L):c.998G>T (p.Ser333Ile)

Gene: MED12L (mediator complex subunit 12L; plus strand). Cytogenetic location: 3q25.1.
Variant type: single nucleotide variant.
Coding change: c.998G>T on transcript NM_001393769.1 (MANE Select); coding-DNA position 998, G replaced by T.
Protein change: p.Ser333Ile; replaces serine 333 with isoleucine.
Molecular consequence: missense variant.
Genome position (GRCh38, 1-based): chr3:151,159,992, G>T. VCF-style: chr3-151159992-G-T. GRCh37 (hg19) VCF-style: chr3-150877779-G-T.
Other names: c.998G>T, p.Ser333Ile (NM_053002.6); short protein forms S333I.
Identifiers: ClinVar variation 3367851 (VCV003367851.1).

ClinVar aggregate classification (germline): Uncertain significance (1 of 4 stars; one submission).

gnomAD v4.1: 2 of 1,614,190 alleles (0.00012%); highest among the groups gnomAD compares: Non-Finnish European, 0.00017%; no homozygotes.

Submission:

GeneDx
Classification: Uncertain significance. Last evaluated: 2024-02-08. Review status: criteria provided, single submitter. Criteria: GeneDx Variant Classification Process June 2021. Collection method: clinical testing. Allele origin: germline. Affected: yes.
Comment: Not observed at significant frequency in large population cohorts (gnomAD); In silico analysis supports that this missense variant does not alter protein structure/function; Has not been previously published as pathogenic or benign to our knowledge